The following is an entry in ClinVar:

NM_002692.4(POLE2):c.856A>G (p.Met286Val)

Gene: POLE2 (DNA polymerase epsilon 2, accessory subunit; minus strand). Cytogenetic location: 14q21.3.
Variant type: single nucleotide variant.
Coding change: c.856A>G on transcript NM_002692.4 (MANE Select); coding-DNA position 856, A replaced by G.
Protein change: p.Met286Val; replaces methionine 286 with valine.
Molecular consequence: missense variant.
Genome position (GRCh38, 1-based): chr14:49,655,743, T>C on the plus strand (A>G on the coding strand, the complement: POLE2 is on the minus strand). VCF-style: chr14-49655743-T-C. GRCh37 (hg19) VCF-style: chr14-50122461-T-C.
Other names: c.778A>G, p.Met260Val (NM_001197330.2); c.856A>G, p.Met286Val (NM_001197331.3, NM_001348384.2); c.625A>G, p.Met209Val (NM_001348385.2); short protein forms M209V, M286V, M260V.
Identifiers: ClinVar variation 1462228 (VCV001462228.6), dbSNP rs368277605, ClinGen allele CA7173459.
Genomic context (GRCh38, chr14:49,655,743, plus strand): 5'-TGCGAAGTTTTTCCAATACTTCCACCTGGTCCAACCAAACATCAGATAAAAACACAAACA[T>C]AGCATCTTTATTCTCCTCTTCTAGCTGTTTTAGTTTTGCAGAAGTCTTCACAGATGTATT-3'
Protein context (NP_002683.2, residues 276-296): KQLEEENKDA[Met286Val]FVFLSDVWLD

ClinVar aggregate classification (germline): Uncertain significance (1 of 4 stars; one submission).

Allele frequency attached by ClinVar (database versions not stated): gnomAD exomes below 0.00001; ExAC 0.00001; TOPMed 0.00001; gnomAD 0.00002; ESP Exome Variant Server 0.00008.
gnomAD v4.1: 4 of 1,611,126 alleles (0.00025%); highest among the groups gnomAD compares: African/African-American, 0.0027%; no homozygotes.

Submission:

Labcorp Genetics (formerly Invitae), Labcorp
Classification: Uncertain significance. Last evaluated: 2021-09-18. Review status: criteria provided, single submitter. Criteria: Invitae Variant Classification Sherloc (09022015). Collection method: clinical testing. Allele origin: germline.
Comment: This missense change has been observed in individual(s) with colorectal cancer (PMID: 32449991). This sequence change replaces methionine with valine at codon 286 of the POLE2 protein (p.Met286Val). The methionine residue is moderately conserved and there is a small physicochemical difference between methionine and valine. This variant is present in population databases (rs368277605, ExAC 0.01%). Algorithms developed to predict the effect of missense changes on protein structure and function are either unavailable or do not agree on the potential impact of this missense change (SIFT: "Tolerated"; PolyPhen-2: "Possibly Damaging"; Align-GVGD: "Class C0"). In summary, the available evidence is currently insufficient to determine the role of this variant in disease. Therefore, it has been classified as a Variant of Uncertain Significance.

Literature cited by the submitters: PubMed 32449991.